The following is an entry in ClinVar:

NM_000169.3(GLA):c.484T>A (p.Trp162Arg)

Genes: GLA (galactosidase alpha; minus strand), RPL36A-HNRNPH2 (RPL36A-HNRNPH2 readthrough; plus strand). Cytogenetic location: Xq22.1.
Variant type: single nucleotide variant.
Coding change: c.484T>A on transcript NM_000169.3 (MANE Select); coding-DNA position 484, T replaced by A.
Protein change: p.Trp162Arg; replaces tryptophan 162 with arginine.
Molecular consequence: missense variant. On other transcripts: non-coding transcript variant (3), intron variant (2).
Genome position (GRCh38, 1-based): chrX:101,401,695, A>T on the plus strand (T>A on the coding strand, the complement: GLA is on the minus strand). VCF-style: chrX-101401695-A-T. GRCh37 (hg19) VCF-style: chrX-100656683-A-T.
Other names: c.607T>A, p.Trp203Arg (NM_001406747.1, NM_001406749.1); c.484T>A, p.Trp162Arg (NM_001406748.1); c.300+6238A>T (NM_001199973.2); c.177+9873A>T (NM_001199974.2); short protein forms W162R, W203R.
Identifiers: ClinVar variation 4847296 (VCV004847296.1).

ClinVar aggregate classification (germline): Likely pathogenic (1 of 4 stars; one submission).

Conditions:
Fabry disease. Also called: Fabry's disease; GLA DEFICIENCY; HEREDITARY DYSTOPIC LIPIDOSIS; Ceramide trihexosidosis; Angiokeratoma corporis diffusum; ALPHA-GALACTOSIDASE A DEFICIENCY. Identifiers: Orphanet 324, MedGen C0002986, MONDO:0010526, OMIM 301500, HP:0001071. Disease mechanism: Fabry disease is due to inactivating mutations in the X-linked GLA gene resulting in deficiency of the enzyme Alpha Galactosidase-A., loss of function.

Submission:

Women's Health and Genetics/Laboratory Corporation of America, LabCorp
Classification: Likely pathogenic for Fabry disease. Last evaluated: 2026-03-12. Review status: criteria provided, single submitter. Criteria: LabCorp Variant Classification Summary - May 2015. Collection method: clinical testing. Allele origin: germline.
Comment: Variant summary: GLA c.484T>A (p.Trp162Arg) results in a non-conservative amino acid change in the encoded protein sequence. Algorithms developed to predict the effect of missense changes on protein structure and function all suggest that this variant is likely to be disruptive. The variant was absent in 183491 control chromosomes. The c.484T>A variant, to our knowledge, has not been clearly reported among individuals with Fabry Disease. At least one publication reports experimental evidence evaluating an impact on protein function demonstrating a total absence of alpha galactosidase activity in the presence of this missense change in vitro (example, Benjamin_2009, Wu_2011). A different variant resulting in the same amino acid change has been classified as likely pathogenic/pathogenic (c.484T>C, p.Trp162Arg), supporting the critical relevance of codon 162 to GLA protein function (example, Brown_1997, Lorenz_2003, Benjamin_2009, Kotanko_2004, Eng_1993). The following publications have been ascertained in the context of this evaluation (PMID: 12359124, 18633574, 31036492, 8931708, 29330335, 15003450, 11531969, 20139917, 20629180, 23922385, 25382311, 9116979, 12778775, 25468652, 29618309, 34679477, 15924232, 34282462, 19387866, 24386359, 15100373, 27916943, 7504405, 21598360). No submitters have cited clinical-significance assessments for this variant to ClinVar, however c.484T>C (p.Trp162Arg) is Variation ID 10728. Based on the evidence outlined above, the variant was classified as likely pathogenic.

Literature cited by the submitters: PubMed 19387866; PubMed 21598360; PubMed 15924232; PubMed 24386359; PubMed 15003450; PubMed 7504405; PubMed 23922385; PubMed 25468652; PubMed 20629180; PubMed 25382311; PubMed 9116979; PubMed 15100373; PubMed 27916943; PubMed 11531969; PubMed 12359124; PubMed 31036492; PubMed 29330335; PubMed 20139917; PubMed 18633574; PubMed 34679477; PubMed 8931708; PubMed 29618309; PubMed 34282462; PubMed 12778775.